The following is an entry in ClinVar:

ClinVar aggregate classification (germline): Likely pathogenic (1 of 4 stars; one submission).

Conditions:
Hereditary spherocytosis type 5. Also called: EPB42-Related Hereditary Spherocytosis; EPB42-Related Spherocytosis. Identifiers: Orphanet 822, MedGen C2675192, MONDO:0012985, OMIM 612690.

Submission:

ARUP Laboratories, Molecular Genetics and Genomics, ARUP Laboratories
Classification: Likely pathogenic for Hereditary spherocytosis type 5. Last evaluated: 2023-09-08. Review status: criteria provided, single submitter. Criteria: ARUP Molecular Germline Variant Investigation Process 2024. Collection method: clinical testing. Allele origin: germline.
Comment: The EPB42 c.1977del; p.Leu660SerfsTer47 variant, to our knowledge, is not reported in the medical literature or gene specific databases. This variant is also absent from the Genome Aggregation Database, indicating it is not a common polymorphism. This variant causes a frameshift by deleting a single nucleotide, so it is predicted to result in a truncated protein or mRNA subject to nonsense-mediated decay. Based on available information, this variant is considered to be likely pathogenic.

NM_001114134.2(EPB42):c.1887del (p.Leu630fs)

Gene: EPB42 (erythrocyte membrane protein band 4.2; minus strand). Cytogenetic location: 15q15.2.
Variant type: Deletion.
Coding change: c.1887del on transcript NM_001114134.2 (MANE Select); coding-DNA position 1887, one base deleted (G; older notation c.1887delG).
Protein change: p.Leu630fs; shifts the reading frame from leucine 630.
Molecular consequence: frameshift variant.
Genome position (GRCh38, 1-based): chr15:43,201,870, C deleted on the plus strand (G on the coding strand, the reverse complement: EPB42 is on the minus strand); the first of 5 consecutive C bases (chr15:43,201,870-43,201,874); deleting any one gives the same sequence. VCF-style (leftmost placement, unchanged base first): chr15-43201869-GC-G. GRCh37 (hg19) VCF-style: chr15-43494067-GC-G.
Other names: c.1977del, p.Leu660fs (NM_000119.3); short protein forms L630fs, L660fs.
Identifiers: ClinVar variation 2921044 (VCV002921044.1), dbSNP rs2142263398, ClinGen allele CA2575701089.